The following is an entry in ClinVar:

ClinVar aggregate classification (germline): Uncertain significance. Review status: criteria provided, multiple submitters, no conflicts (2 of 4 stars). 2 submissions from 2 submitters: Uncertain significance (2). Last evaluated 2026-04-07.

Conditions:
SKIN/HAIR/EYE PIGMENTATION 1, BLUE/NONBLUE EYES (SHEP1). Also called: BROWN EYE COLOR 2; EYE COLOR 3; EYE COLOR, BLUE/NONBLUE; EYE COLOR, BROWN/BLUE; HAIR COLOR 3; SKIN/HAIR/EYE PIGMENTATION 1, BLOND/BROWN HAIR. Identifiers: MedGen C1856895, OMIM 227220.

gnomAD v4.1: 19 of 1,612,826 alleles (0.0012%); highest among the groups gnomAD compares: Middle Eastern, 0.033%; no homozygotes.

Submissions (2):

GeneDx
Classification: Uncertain significance. Last evaluated: 2026-04-07. Review status: criteria provided, single submitter. Criteria: GeneDx Variant Classification Process June 2021. Collection method: clinical testing. Allele origin: germline.
Comment: Not observed at significant frequency in large population cohorts (gnomAD); In silico analysis suggests that this missense variant does not alter protein structure/function; Has not been previously published as pathogenic or benign to our knowledge

Genomic Medicine Center of Excellence, King Faisal Specialist Hospital and Research Centre
Classification: Uncertain significance for SKIN/HAIR/EYE PIGMENTATION 1, BLUE/NONBLUE EYES. Last evaluated: 2025-09-10. Review status: criteria provided, single submitter. Criteria: ACMG Guidelines, 2015. Collection method: clinical testing. Allele origin: germline.

NM_004667.6(HERC2):c.5152G>C (p.Asp1718His)

Gene: HERC2 (HECT and RLD domain containing E3 ubiquitin protein ligase 2; minus strand). Cytogenetic location: 15q13.1.
Variant type: single nucleotide variant.
Coding change: c.5152G>C on transcript NM_004667.6 (MANE Select); coding-DNA position 5152, G replaced by C.
Protein change: p.Asp1718His; replaces aspartic acid 1718 with histidine.
Molecular consequence: missense variant.
Genome position (GRCh38, 1-based): chr15:28,229,315, C>G on the plus strand (G>C on the coding strand, the complement: HERC2 is on the minus strand). VCF-style: chr15-28229315-C-G. GRCh37 (hg19) VCF-style: chr15-28474461-C-G.
Other names: c.5152G>C (NM_004667.5); short protein forms D1718H.
Identifiers: ClinVar variation 4278078 (VCV004278078.2).